The following is an entry in ClinVar:

NM_006739.4(MCM5):c.753-3C>G

Gene: MCM5 (minichromosome maintenance complex component 5; plus strand). Cytogenetic location: 22q12.3.
Variant type: single nucleotide variant.
Coding change: c.753-3C>G on transcript NM_006739.4 (MANE Select); 3 bases into the intron before coding-DNA position 753, C replaced by G.
Molecular consequence: intron variant.
Genome position (GRCh38, 1-based): chr22:35,410,741, C>G. VCF-style: chr22-35410741-C-G. GRCh37 (hg19) VCF-style: chr22-35806734-C-G.
Identifiers: ClinVar variation 1474487 (VCV001474487.8), dbSNP rs943273071, ClinGen allele CA323489975.

ClinVar aggregate classification (germline): Uncertain significance (1 of 4 stars; one submission).

Allele frequency attached by ClinVar (database versions not stated): TOPMed 0.00005; gnomAD 0.00011 and 0.00010; gnomAD exomes 0.00001.
gnomAD v4.1: 22 of 1,613,774 alleles (0.0014%); highest among the groups gnomAD compares: African/African-American, 0.029%; no homozygotes.

Submissions (2):

Labcorp Genetics (formerly Invitae), Labcorp
Classification: Uncertain significance. Last evaluated: 2023-07-17. Review status: criteria provided, single submitter. Criteria: Invitae Variant Classification Sherloc (09022015). Collection method: clinical testing. Allele origin: germline.
Comment: Variants that disrupt the consensus splice site are a relatively common cause of aberrant splicing (PMID: 17576681, 9536098). Algorithms developed to predict the effect of sequence changes on RNA splicing suggest that this variant is not likely to affect RNA splicing. In summary, the available evidence is currently insufficient to determine the role of this variant in disease. Therefore, it has been classified as a Variant of Uncertain Significance. ClinVar contains an entry for this variant (Variation ID: 1474487). This variant has not been reported in the literature in individuals affected with MCM5-related conditions. This variant is present in population databases (no rsID available, gnomAD 0.02%). This sequence change falls in intron 6 of the MCM5 gene. It does not directly change the encoded amino acid sequence of the MCM5 protein. It affects a nucleotide within the consensus splice site.

Dr. Peter K. Rogan Lab, Western University
No classification provided (evidence only). Condition: Squamous cell carcinoma of the head and neck. Review status: no classification provided. Collection method: in vitro. Allele origin: not applicable. Functional consequence: retained intron. Not counted in ClinVar's aggregate classification.

Literature cited by the submitters: PubMed 17576681 (cited by Labcorp Genetics (formerly Invitae), Labcorp); PubMed 9536098 (cited by Labcorp Genetics (formerly Invitae), Labcorp).